The following is an entry in ClinVar:

ClinVar aggregate classification (germline): Uncertain significance (1 of 4 stars; one submission).

Submission:

GeneDx
Classification: Uncertain significance. Last evaluated: 2022-05-11. Review status: criteria provided, single submitter. Criteria: GeneDx Variant Classification Process June 2021. Collection method: clinical testing. Allele origin: germline. Affected: yes.
Comment: Not observed at significant frequency in large population cohorts (gnomAD); In silico analysis supports that this missense variant has a deleterious effect on protein structure/function; Has not been previously published as pathogenic or benign to our knowledge

NM_001384125.1(BLTP1):c.1123G>A (p.Gly375Arg)

Gene: BLTP1 (bridge-like lipid transfer protein family member 1; plus strand). Cytogenetic location: 4q27.
Variant type: single nucleotide variant.
Coding change: c.1123G>A on transcript NM_001384125.1 (MANE Select); coding-DNA position 1123, G replaced by A.
Protein change: p.Gly375Arg; replaces glycine 375 with arginine.
Molecular consequence: missense variant.
Genome position (GRCh38, 1-based): chr4:122,196,705, G>A. VCF-style: chr4-122196705-G-A. GRCh37 (hg19) VCF-style: chr4-123117860-G-A.
Other names: c.1123G>A, p.Gly375Arg (NM_015312.4); short protein forms G375R.
Identifiers: ClinVar variation 1723477 (VCV001723477.2), dbSNP rs2480570255, ClinGen allele CA358062099.